The following is an entry in ClinVar:

NM_005857.5(ZMPSTE24):c.121C>T (p.Gln41Ter)

Genes: ZMPSTE24 (zinc metallopeptidase STE24; plus strand), LOC129930253 (ATAC-STARR-seq lymphoblastoid active region 836; plus strand). Cytogenetic location: 1p34.2.
Variant type: single nucleotide variant.
Coding change: c.121C>T on transcript NM_005857.5 (MANE Select); coding-DNA position 121, C replaced by T.
Protein change: p.Gln41Ter; replaces glutamine 41 with a stop codon.
Molecular consequence: nonsense.
Genome position (GRCh38, 1-based): chr1:40,258,392, C>T. VCF-style: chr1-40258392-C-T. GRCh37 (hg19) VCF-style: chr1-40724064-C-T.
Other names: c.121C>T, p.Gln41Ter (LRG_212t1); short protein forms Q41*.
Identifiers: ClinVar variation 4274 (VCV000004274.2), dbSNP rs121908094, ClinGen allele CA116752.

ClinVar aggregate classification (germline): Pathogenic. Review status: criteria provided, single submitter (1 of 4 stars). 3 submissions from 3 submitters: Pathogenic (1). 2 of the submissions do not count toward it. Last evaluated 2025-10-07.

Conditions:
Mandibuloacral dysplasia with type B lipodystrophy (MADB). Also called: LIPODYSTROPHY, TYPE B, ASSOCIATED WITH MANDIBULOACRAL DYSPLASIA. Identifiers: Orphanet 2457, Orphanet 90154, MedGen C1837756, MONDO:0012074, OMIM 608612.

Allele frequency attached by ClinVar (database versions not stated): ExAC 0.00001; gnomAD exomes 0.00001 and 0.00003; gnomAD 0.00003.

Submissions (3):

Labcorp Genetics (formerly Invitae), Labcorp
Classification: Pathogenic. Last evaluated: 2025-10-07. Review status: criteria provided, single submitter. Criteria: Invitae Variant Classification Sherloc (09022015). Collection method: clinical testing. Allele origin: germline.
Comment: This sequence change creates a premature translational stop signal (p.Gln41*) in the ZMPSTE24 gene. It is expected to result in an absent or disrupted protein product. Loss-of-function variants in ZMPSTE24 are known to be pathogenic (PMID: 22718200, 24169522). This variant is present in population databases (rs121908094, gnomAD 0.01%). This premature translational stop signal has been observed in individual(s) with mandibuloacral dysplasia (PMID: 18435794). ClinVar contains an entry for this variant (Variation ID: 4274). Algorithms developed to predict the effect of sequence changes on RNA splicing suggest that this variant may disrupt the consensus splice site. For these reasons, this variant has been classified as Pathogenic.

OMIM
Classification: Pathogenic for MANDIBULOACRAL DYSPLASIA WITH TYPE B LIPODYSTROPHY. Last evaluated: 2008-06-01. Review status: no assertion criteria provided. Collection method: literature only. Allele origin: germline. Not counted in ClinVar's aggregate classification.

ZMPSTE24 homepage - Leiden Muscular Dystrophy pages
No classification provided. Review status: no classification provided. Collection method: not provided. Allele origin: germline. Not counted in ClinVar's aggregate classification.
Comment: has functional consequence

Literature cited by the submitters: PubMed 22718200 (cited by Labcorp Genetics (formerly Invitae), Labcorp); PubMed 24169522 (cited by Labcorp Genetics (formerly Invitae), Labcorp); PubMed 18435794 (cited by Labcorp Genetics (formerly Invitae), Labcorp and OMIM).